The following is an entry in ClinVar:

ClinVar aggregate classification (germline): Uncertain significance (1 of 4 stars; one submission).

Allele frequency attached by ClinVar (database versions not stated): gnomAD exomes below 0.00001.
gnomAD v4.1: 1 of 1,542,102 alleles (0.000065%); highest among the groups gnomAD compares: Non-Finnish European, 0.000087%; no homozygotes.

Submission:

Labcorp Genetics (formerly Invitae), Labcorp
Classification: Uncertain significance. Last evaluated: 2021-11-18. Review status: criteria provided, single submitter. Criteria: Invitae Variant Classification Sherloc (09022015). Collection method: clinical testing. Allele origin: germline.
Comment: This sequence change replaces tyrosine, which is neutral and polar, with cysteine, which is neutral and slightly polar, at codon 261 of the TANC2 protein (p.Tyr261Cys). This variant is not present in population databases (gnomAD no frequency). This variant has not been reported in the literature in individuals affected with TANC2-related conditions. Algorithms developed to predict the effect of missense changes on protein structure and function are either unavailable or do not agree on the potential impact of this missense change (SIFT: "Deleterious"; PolyPhen-2: "Probably Damaging"; Align-GVGD: "Class C0"). In summary, the available evidence is currently insufficient to determine the role of this variant in disease. Therefore, it has been classified as a Variant of Uncertain Significance.

NM_001394998.1(TANC2):c.1004A>G (p.Tyr335Cys)

Gene: TANC2 (tetratricopeptide repeat, ankyrin repeat and coiled-coil containing 2; plus strand). Cytogenetic location: 17q23.3.
Variant type: single nucleotide variant.
Coding change: c.1004A>G on transcript NM_001394998.1 (MANE Select); coding-DNA position 1004, A replaced by G.
Protein change: p.Tyr335Cys; replaces tyrosine 335 with cysteine.
Molecular consequence: missense variant.
Genome position (GRCh38, 1-based): chr17:63,238,048, A>G. VCF-style: chr17-63238048-A-G. GRCh37 (hg19) VCF-style: chr17-61315409-A-G.
Other names: c.782A>G, p.Tyr261Cys (NM_025185.4); short protein forms Y261C, Y335C.
Identifiers: ClinVar variation 1482426 (VCV001482426.1), dbSNP rs2146055122, ClinGen allele CA400792864.